The following is an entry in ClinVar:

NM_031885.5(BBS2):c.1190C>T (p.Thr397Ile)

Gene: BBS2 (Bardet-Biedl syndrome 2; minus strand). Cytogenetic location: 16q13.
Variant type: single nucleotide variant.
Coding change: c.1190C>T on transcript NM_031885.5 (MANE Select); coding-DNA position 1190, C replaced by T.
Protein change: p.Thr397Ile; replaces threonine 397 with isoleucine.
Molecular consequence: missense variant. On other transcripts: non-coding transcript variant (5).
Genome position (GRCh38, 1-based): chr16:56,501,388, G>A on the plus strand (C>T on the coding strand, the complement: BBS2 is on the minus strand). VCF-style: chr16-56501388-G-A. GRCh37 (hg19) VCF-style: chr16-56535300-G-A.
Other names: c.1190C>T, p.Thr397Ile (NM_001377456.1); short protein forms T397I.
Identifiers: ClinVar variation 1384369 (VCV001384369.4), dbSNP rs368138622, ClinGen allele CA395979893.

ClinVar aggregate classification (germline): Uncertain significance. Review status: criteria provided, multiple submitters, no conflicts (2 of 4 stars). 2 submissions from 2 submitters: Uncertain significance (2). Last evaluated 2022-05-27.

Conditions:
Retinitis pigmentosa 74 (RP74). Identifiers: Orphanet 791, MedGen C4225281, MONDO:0014692, OMIM 616562.
Bardet-Biedl syndrome 2 (BBS2). Identifiers: Orphanet 110, MedGen C2936863, MONDO:0014432, OMIM 615981.
Bardet-Biedl syndrome (BBS). Identifiers: Orphanet 110, MedGen C0752166, MONDO:0015229.

Submissions (2):

Fulgent Genetics
Classification: Uncertain significance for Bardet-Biedl syndrome 2; Retinitis pigmentosa 74. Last evaluated: 2022-05-27. Review status: criteria provided, single submitter. Criteria: ACMG Guidelines, 2015. Collection method: clinical testing. Allele origin: unknown.

Labcorp Genetics (formerly Invitae), Labcorp
Classification: Uncertain significance for Bardet-Biedl syndrome. Last evaluated: 2021-12-29. Review status: criteria provided, single submitter. Criteria: Invitae Variant Classification Sherloc (09022015). Collection method: clinical testing. Allele origin: germline.
Comment: This sequence change replaces threonine, which is neutral and polar, with isoleucine, which is neutral and non-polar, at codon 397 of the BBS2 protein (p.Thr397Ile). This variant is not present in population databases (gnomAD no frequency). This variant has not been reported in the literature in individuals affected with BBS2-related conditions. Algorithms developed to predict the effect of missense changes on protein structure and function (SIFT, PolyPhen-2, Align-GVGD) all suggest that this variant is likely to be tolerated. In summary, the available evidence is currently insufficient to determine the role of this variant in disease. Therefore, it has been classified as a Variant of Uncertain Significance.